The following is an entry in ClinVar:

ClinVar aggregate classification (germline): no classifications from unflagged records (0 of 4 stars; one submission).

Conditions:
Hypercoagulability syndrome due to glycosylphosphatidylinositol deficiency (GPIBD1). Also called: GLYCOSYLPHOSPHATIDYLINOSITOL BIOSYNTHESIS DEFECT 1. Identifiers: Orphanet 83639, MedGen C5201145, MONDO:0012465, OMIM 610293.

Allele frequency attached by ClinVar (database versions not stated): gnomAD exomes below 0.00001.

Submission:

OMIM
Classification: Pathogenic for GLYCOSYLPHOSPHATIDYLINOSITOL BIOSYNTHESIS DEFECT 1. Last evaluated: 2007-04-19. Review status: flagged submission. Collection method: literature only. Allele origin: germline.
ClinVar note: Notes: Flagging candidate with reason of insufficient supporting evidence. This gene has been classified as having a limited gene-disease relationship by a ClinGen Expert Panel.
ClinVar note: Reason: P/LP classification for a variant in a gene with insufficient evidence for a gene-disease relationship

Literature cited by the submitters: PubMed 16767100; PubMed 31445883; PubMed 17442906; PubMed 25293775.

NC_000001.11:g.160032009G>C

Gene: PIGM (phosphatidylinositol glycan anchor biosynthesis class M; minus strand). Cytogenetic location: 1q23.2.
Variant type: single nucleotide variant.
Genome position: GRCh38 VCF-style: chr1-160032009-G-C. GRCh37 (hg19) VCF-style: chr1-160001799-G-C.
Other names: -270C-G, PROMOTER.
Identifiers: ClinVar variation 1288 (VCV000001288.4), dbSNP rs587776528, ClinGen allele CA114908.
Genomic context (GRCh38, chr1:160,032,009, plus strand): 5'-AGCCAAAAACTTGCCTTCCTCTGGATGGACGGTCTCGCTTCCGCTTCTTCTTCCAGCGGA[G>C]GCGGGATTTCCGGTCCGTGGGAGGGGAGACGTCCGCTTGCCGGGAAATCCGGCACTGGCT-3'